The following is an entry in ClinVar:

NM_001165963.4(SCN1A):c.2601C>A (p.Phe867Leu)

Gene: SCN1A (sodium voltage-gated channel alpha subunit 1; minus strand). Cytogenetic location: 2q24.3.
Variant type: single nucleotide variant.
Coding change: c.2601C>A on transcript NM_001165963.4 (MANE Select); coding-DNA position 2601, C replaced by A.
Protein change: p.Phe867Leu; replaces phenylalanine 867 with leucine.
Molecular consequence: missense variant. On other transcripts: non-coding transcript variant (1).
Genome position (GRCh38, 1-based): chr2:166,038,121, G>T on the plus strand (C>A on the coding strand, the complement: SCN1A is on the minus strand). VCF-style: chr2-166038121-G-T. GRCh37 (hg19) VCF-style: chr2-166894631-G-T.
Other names: c.2517C>A, p.Phe839Leu (NM_001165964.3, NM_001353957.2, NM_001353958.2); c.2601C>A, p.Phe867Leu (NM_001202435.3, NM_001353948.2); c.2568C>A, p.Phe856Leu (NM_001353949.2, NM_001353950.2, NM_001353951.2 and 2 more transcripts); c.2565C>A, p.Phe855Leu (NM_001353954.2, NM_001353955.2); c.2514C>A, p.Phe838Leu (NM_001353960.2); c.159C>A, p.Phe53Leu (NM_001353961.2); short protein forms F53L, F855L, F856L, F838L, F867L, F839L.
Identifiers: ClinVar variation 1448439 (VCV001448439.10), dbSNP rs2105808775, ClinGen allele CA349061784.

ClinVar aggregate classification (germline): Uncertain significance. Review status: criteria provided, multiple submitters, no conflicts (2 of 4 stars). 2 submissions from 2 submitters: Uncertain significance (2). Last evaluated 2024-01-25.

Conditions:
Early-infantile DEE. Also called: Early infantile epileptic encephalopathy; Ohtahara syndrome; Early infantile epileptic encephalopathy with suppression bursts. Identifiers: Orphanet 1934, MedGen C0393706, MONDO:0800491.
Developmental and epileptic encephalopathy 6B. Also called: Developmental and epileptic encephalopathy 6B, non-Dravet. Identifiers: MedGen C5543353, MONDO:0030268, OMIM 619317.

Allele frequency attached by ClinVar (database versions not stated): gnomAD exomes below 0.00001.
gnomAD v4.1: 1 of 1,610,726 alleles (0.000062%); highest among the groups gnomAD compares: Non-Finnish European, 0.000085%; no homozygotes.

Submissions (2):

3billion
Classification: Uncertain significance for Developmental and epileptic encephalopathy 6B. Last evaluated: 2024-01-25. Review status: criteria provided, single submitter. Criteria: ACMG Guidelines, 2015. Collection method: clinical testing. Allele origin: germline. Affected: yes.
Comment: The variant is not observed in the gnomAD v2.1.1 dataset. Predicted Consequence/Location: Missense variant In silico tool predictions suggest damaging effect of the variant on gene or gene product [REVEL: 0.76 (>=0.6, sensitivity 0.68 and specificity 0.92); 3Cnet: 0.96 (>=0.6, sensitivity 0.72 and precision 0.9)]. Therefore, this variant is classified as VUS according to the recommendation of ACMG/AMP guideline.

Labcorp Genetics (formerly Invitae), Labcorp
Classification: Uncertain significance for Early-infantile DEE. Last evaluated: 2023-06-13. Review status: criteria provided, single submitter. Criteria: Invitae Variant Classification Sherloc (09022015). Collection method: clinical testing. Allele origin: germline.
Comment: Advanced modeling of protein sequence and biophysical properties (such as structural, functional, and spatial information, amino acid conservation, physicochemical variation, residue mobility, and thermodynamic stability) has been performed at Invitae for this missense variant, however the output from this modeling did not meet the statistical confidence thresholds required to predict the impact of this variant on SCN1A protein function. ClinVar contains an entry for this variant (Variation ID: 1448439). This variant has not been reported in the literature in individuals affected with SCN1A-related conditions. This variant is not present in population databases (gnomAD no frequency). This sequence change replaces phenylalanine, which is neutral and non-polar, with leucine, which is neutral and non-polar, at codon 867 of the SCN1A protein (p.Phe867Leu). In summary, the available evidence is currently insufficient to determine the role of this variant in disease. Therefore, it has been classified as a Variant of Uncertain Significance.